The following is an entry in ClinVar:

ClinVar aggregate classification (germline): Uncertain significance. Review status: criteria provided, multiple submitters, no conflicts (2 of 4 stars). 3 submissions from 3 submitters: Uncertain significance (3). Last evaluated 2024-11-11.

Conditions:
Hypersulfaturia (HYSULF). Identifiers: MedGen C5830511, MONDO:0957268, OMIM 620372.
Nephrolithiasis susceptibility caused by SLC26A1 (CAON1). Also called: NEPHROLITHIASIS, CALCIUM OXALATE, 1. Identifiers: MedGen C5779632, MONDO:0020722, OMIM 167030.
Inborn genetic diseases. Identifiers: MedGen C0950123, MeSH D030342.

Allele frequency attached by ClinVar (database versions not stated): gnomAD 0.00003; TOPMed 0.00006; ESP Exome Variant Server 0.00008.
gnomAD v4.1: 159 of 1,569,930 alleles (0.01%); highest among the groups gnomAD compares: Non-Finnish European, 0.013%; no homozygotes.

Submissions (3):

Ambry Genetics
Classification: Uncertain significance for Inborn genetic diseases. Last evaluated: 2024-11-11. Review status: criteria provided, single submitter. Criteria: Ambry Variant Classification Scheme 2023. Collection method: clinical testing. Allele origin: germline.

Fulgent Genetics
Classification: Uncertain significance for Nephrolithiasis susceptibility caused by SLC26A1; Hypersulfaturia. Last evaluated: 2024-04-02. Review status: criteria provided, single submitter. Criteria: ACMG Guidelines, 2015. Collection method: clinical testing. Allele origin: germline.

Labcorp Genetics (formerly Invitae), Labcorp
Classification: Uncertain significance. Last evaluated: 2023-08-02. Review status: criteria provided, single submitter. Criteria: Invitae Variant Classification Sherloc (09022015). Collection method: clinical testing. Allele origin: germline.
Comment: This sequence change replaces arginine, which is basic and polar, with glutamine, which is neutral and polar, at codon 238 of the SLC26A1 protein (p.Arg238Gln). This variant is present in population databases (rs200857252, gnomAD 0.006%). This variant has not been reported in the literature in individuals affected with SLC26A1-related conditions. Advanced modeling of protein sequence and biophysical properties (such as structural, functional, and spatial information, amino acid conservation, physicochemical variation, residue mobility, and thermodynamic stability) performed at Invitae indicates that this missense variant is not expected to disrupt SLC26A1 protein function. In summary, the available evidence is currently insufficient to determine the role of this variant in disease. Therefore, it has been classified as a Variant of Uncertain Significance.

NM_022042.4(SLC26A1):c.713G>A (p.Arg238Gln)

Genes: IDUA (alpha-L-iduronidase; plus strand), SLC26A1 (solute carrier family 26 member 1; minus strand). Cytogenetic location: 4p16.3.
Variant type: single nucleotide variant.
Coding change: c.713G>A on transcript NM_022042.4 (MANE Select); coding-DNA position 713, G replaced by A.
Protein change: p.Arg238Gln; replaces arginine 238 with glutamine.
Molecular consequence: missense variant. On other transcripts: intron variant (2).
Genome position (GRCh38, 1-based): chr4:990,226, C>T on the plus strand (G>A on the coding strand, the complement: SLC26A1 is on the minus strand). VCF-style: chr4-990226-C-T. GRCh37 (hg19) VCF-style: chr4-984014-C-T.
Other names: c.713G>A (NM_213613.2); c.713G>A, p.Arg238Gln (NM_213613.4); c.576+902G>A (NM_134425.4); c.299+2277C>T (NM_000203.5); short protein forms R238Q.
Identifiers: ClinVar variation 2894183 (VCV002894183.5), dbSNP rs200857252, ClinGen allele CA2801566.